The following is an entry in ClinVar:

ClinVar aggregate classification (germline): Uncertain significance (1 of 4 stars; one submission).

Allele frequency attached by ClinVar (database versions not stated): gnomAD exomes 0.00005 and 0.00025; ExAC 0.00006; gnomAD 0.00015; TOPMed 0.00025.
gnomAD v4.1: 100 of 1,550,720 alleles (0.0064%); highest among the groups gnomAD compares: Admixed American, 0.14%; no homozygotes.

Submission:

Labcorp Genetics (formerly Invitae), Labcorp
Classification: Uncertain significance. Last evaluated: 2021-08-11. Review status: criteria provided, single submitter. Criteria: Invitae Variant Classification Sherloc (09022015). Collection method: clinical testing. Allele origin: germline.
Comment: This sequence change replaces arginine with glutamine at codon 2896 of the OTOG protein (p.Arg2896Gln). The arginine residue is highly conserved and there is a small physicochemical difference between arginine and glutamine. This variant is present in population databases (rs751320465, ExAC 0.02%). This variant has not been reported in the literature in individuals affected with OTOG-related conditions. Algorithms developed to predict the effect of missense changes on protein structure and function are either unavailable or do not agree on the potential impact of this missense change (SIFT: "Tolerated"; PolyPhen-2: "Probably Damaging"; Align-GVGD: "Class C0"). In summary, the available evidence is currently insufficient to determine the role of this variant in disease. Therefore, it has been classified as a Variant of Uncertain Significance.

NM_001292063.2(OTOG):c.8651G>A (p.Arg2884Gln)

Gene: OTOG (otogelin; plus strand). Cytogenetic location: 11p15.1.
Variant type: single nucleotide variant.
Coding change: c.8651G>A on transcript NM_001292063.2 (MANE Select); coding-DNA position 8651, G replaced by A.
Protein change: p.Arg2884Gln; replaces arginine 2884 with glutamine.
Molecular consequence: missense variant.
Genome position (GRCh38, 1-based): chr11:17,645,853, G>A. VCF-style: chr11-17645853-G-A. GRCh37 (hg19) VCF-style: chr11-17667400-G-A.
Other names: c.8687G>A, p.Arg2896Gln (NM_001277269.2); short protein forms R2884Q, R2896Q.
Identifiers: ClinVar variation 1430369 (VCV001430369.3), dbSNP rs751320465, ClinGen allele CA5906328.